The following is an entry in ClinVar:

NM_080680.3(COL11A2):c.3532C>T (p.Pro1178Ser)

Gene: COL11A2 (collagen type XI alpha 2 chain; minus strand). Cytogenetic location: 6p21.32.
Variant type: single nucleotide variant.
Coding change: c.3532C>T on transcript NM_080680.3 (MANE Select); coding-DNA position 3532, C replaced by T.
Protein change: p.Pro1178Ser; replaces proline 1178 with serine.
Molecular consequence: missense variant.
Genome position (GRCh38, 1-based): chr6:33,170,376, G>A on the plus strand (C>T on the coding strand, the complement: COL11A2 is on the minus strand). VCF-style: chr6-33170376-G-A. GRCh37 (hg19) VCF-style: chr6-33138153-G-A.
Other names: c.3211C>T, p.Pro1071Ser (NM_080679.3); c.3274C>T, p.Pro1092Ser (NM_080681.3); short protein forms P1071S, P1092S, P1178S.
Identifiers: ClinVar variation 1355904 (VCV001355904.7), dbSNP rs1769860121, ClinGen allele CA363629907.

ClinVar aggregate classification (germline): Uncertain significance. Review status: criteria provided, multiple submitters, no conflicts (2 of 4 stars). 2 submissions from 2 submitters: Uncertain significance (2). Last evaluated 2022-03-09.

Allele frequency attached by ClinVar (database versions not stated): TOPMed below 0.00001.

Submissions (2):

Labcorp Genetics (formerly Invitae), Labcorp
Classification: Uncertain significance. Last evaluated: 2022-03-09. Review status: criteria provided, single submitter. Criteria: Invitae Variant Classification Sherloc (09022015). Collection method: clinical testing. Allele origin: germline.
Comment: In summary, the available evidence is currently insufficient to determine the role of this variant in disease. Therefore, it has been classified as a Variant of Uncertain Significance. Advanced modeling of protein sequence and biophysical properties (such as structural, functional, and spatial information, amino acid conservation, physicochemical variation, residue mobility, and thermodynamic stability) performed at Invitae indicates that this missense variant is not expected to disrupt COL11A2 protein function. This variant has not been reported in the literature in individuals affected with COL11A2-related conditions. This variant is not present in population databases (gnomAD no frequency). This sequence change replaces proline, which is neutral and non-polar, with serine, which is neutral and polar, at codon 1178 of the COL11A2 protein (p.Pro1178Ser).

Blueprint Genetics
Classification: Uncertain significance. Last evaluated: 2018-03-09. Review status: criteria provided, single submitter. Criteria: ACMG Guidelines, 2015. Collection method: clinical testing. Allele origin: germline.